The following is an entry in ClinVar:

NM_003850.3(SUCLA2):c.101_108dup (p.Leu37fs)

Gene: SUCLA2 (succinate-CoA ligase ADP-forming subunit beta; minus strand). Cytogenetic location: 13q14.2.
Variant type: Duplication.
Coding change: c.101_108dup on transcript NM_003850.3 (MANE Select); coding-DNA positions 101 to 108, 8 bases duplicated (GTTCTGGA; older notation c.101_108dupGTTCTGGA).
Protein change: p.Leu37fs; shifts the reading frame from leucine 37.
Molecular consequence: frameshift variant.
Genome position (GRCh38, 1-based): chr13:47,997,006-47,997,013, TCCAGAAC duplicated on the plus strand (GTTCTGGA on the coding strand, the reverse complement: SUCLA2 is on the minus strand); duplicating any 8 consecutive bases within chr13:47,997,006-47,997,014 gives the same sequence; the c. name uses the placement nearest the transcript's 3' end. VCF-style (leftmost placement, unchanged base first): chr13-47997005-A-ATCCAGAAC. GRCh37 (hg19) VCF-style: chr13-48571140-A-ATCCAGAAC.
Other names: short protein forms L37fs.
Identifiers: ClinVar variation 5002511 (VCV005002511.1).

ClinVar aggregate classification (germline): Likely pathogenic (1 of 4 stars; one submission).

Conditions:
SUCLA2-related disorder. Also called: SUCLA2-related condition.

Submission:

PreventionGenetics, part of Exact Sciences
Classification: Likely pathogenic for SUCLA2-related condition. Last evaluated: 2025-05-30. Review status: criteria provided, single submitter. Criteria: ACMG Guidelines, 2015. Collection method: clinical testing. Allele origin: germline.
Comment: The SUCLA2 c.101_108dup8 variant is predicted to result in a frameshift and premature protein termination (p.Leu37Valfs*26). To our knowledge, this variant has not been reported in the literature or in a large population database (gnomAD), indicating this variant is rare. Frameshift variants in SUCLA2 are expected to be pathogenic. This variant is interpreted as likely pathogenic.